The following is an entry in ClinVar:

ClinVar aggregate classification (germline): Uncertain significance (1 of 4 stars; one submission).

Conditions:
Hereditary cancer-predisposing syndrome. Also called: Hereditary Cancer Syndrome; Hereditary neoplastic syndrome; Tumor predisposition; Neoplastic Syndromes, Hereditary. Identifiers: Orphanet 140162, MedGen C0027672, MeSH D009386, MONDO:0015356.
Cardiovascular phenotype. Identifiers: MedGen CN230736.

Submission:

Ambry Genetics
Classification: Uncertain significance for Cardiovascular phenotype; Hereditary cancer-predisposing syndrome. Last evaluated: 2024-10-09. Review status: criteria provided, single submitter. Criteria: Ambry Variant Classification Scheme 2023. Collection method: clinical testing. Allele origin: germline.
Comment: The c.994-12_994-11insAlu variant results from the insertion of an Alu element between nucleotides c.994-12 and c.994-11 upstream of coding exon 10 of the LZTR1 gene. Mobile element insertions contribute to pathogenicity by either disrupting the coding sequence or inducing aberrant splicing (Belancio VP et al. Semin. Cancer Biol. 2010 Aug;20:200-10; Deininger P et al. Genome Biol. 2011 Dec;12:236; van der Klift HM Hum Mutat. 2012 Jul;33(7):1051-5). This variant is located within the consensus acceptor splice site and may impact RNA splicing; however, direct evidence is unavailable. Since supporting evidence is limited at this time, the clinical significance of this alteration remains unclear.

NM_006767.3:c.994-12_994-11insALU

Gene: LZTR1 (leucine zipper like post translational regulator 1; plus strand).
Variant type: Insertion.
Identifiers: ClinVar variation 3541615 (VCV003541615.1).